The following is an entry in ClinVar:

NM_001605.3(AARS1):c.1840G>C (p.Ala614Pro)

Gene: AARS1 (alanyl-tRNA synthetase 1; minus strand). Cytogenetic location: 16q22.1.
Variant type: single nucleotide variant.
Coding change: c.1840G>C on transcript NM_001605.3 (MANE Select); coding-DNA position 1840, G replaced by C.
Protein change: p.Ala614Pro; replaces alanine 614 with proline.
Molecular consequence: missense variant.
Genome position (GRCh38, 1-based): chr16:70,259,132, C>G on the plus strand (G>C on the coding strand, the complement: AARS1 is on the minus strand). VCF-style: chr16-70259132-C-G. GRCh37 (hg19) VCF-style: chr16-70293035-C-G.
Other names: short protein forms A614P.
Identifiers: ClinVar variation 1800069 (VCV001800069.7), dbSNP rs780198710, ClinGen allele CA396558247.

ClinVar aggregate classification (germline): Uncertain significance. Review status: criteria provided, multiple submitters, no conflicts (2 of 4 stars). 2 submissions from 2 submitters: Uncertain significance (2). Last evaluated 2022-09-30.

Conditions:
Charcot-Marie-Tooth disease type 2. Also called: Charcot-Marie-Tooth type 2. Identifiers: Orphanet 64746, MedGen C0270914, MONDO:0018993.
Inborn genetic diseases. Identifiers: MedGen C0950123, MeSH D030342.

Submissions (2):

Labcorp Genetics (formerly Invitae), Labcorp
Classification: Uncertain significance for Charcot-Marie-Tooth disease type 2. Last evaluated: 2022-09-30. Review status: criteria provided, single submitter. Criteria: Invitae Variant Classification Sherloc (09022015). Collection method: clinical testing. Allele origin: germline.
Comment: In summary, the available evidence is currently insufficient to determine the role of this variant in disease. Therefore, it has been classified as a Variant of Uncertain Significance. Advanced modeling of protein sequence and biophysical properties (such as structural, functional, and spatial information, amino acid conservation, physicochemical variation, residue mobility, and thermodynamic stability) performed at Invitae indicates that this missense variant is expected to disrupt AARS protein function. This variant has not been reported in the literature in individuals affected with AARS-related conditions. This variant is not present in population databases (gnomAD no frequency). This sequence change replaces alanine, which is neutral and non-polar, with proline, which is neutral and non-polar, at codon 614 of the AARS protein (p.Ala614Pro).

Ambry Genetics
Classification: Uncertain significance for Inborn genetic diseases. Last evaluated: 2022-04-24. Review status: criteria provided, single submitter. Criteria: Ambry Variant Classification Scheme 2023. Collection method: clinical testing. Allele origin: germline.
Comment: The p.A614P variant (also known as c.1840G>C), located in coding exon 13 of the AARS gene, results from a G to C substitution at nucleotide position 1840. The alanine at codon 614 is replaced by proline, an amino acid with highly similar properties. This amino acid position is conserved. In addition, this alteration is predicted to be deleterious by in silico analysis. Since supporting evidence is limited at this time, the clinical significance of this alteration remains unclear.